The following is an entry in ClinVar:

ClinVar aggregate classification (germline): Uncertain significance (1 of 4 stars; one submission).

Submission:

Women's Health and Genetics/Laboratory Corporation of America, LabCorp
Classification: Uncertain significance. Last evaluated: 2025-07-31. Review status: criteria provided, single submitter. Criteria: LabCorp Variant Classification Summary - May 2015. Collection method: clinical testing. Allele origin: germline.
Comment: Variant summary: BCKDHB c.715G>A (p.Glu239Lys) results in a conservative amino acid change in the encoded protein sequence. Algorithms developed to predict the effect of missense changes on protein structure and function are either unavailable or do not agree on the potential impact of this missense change. The variant was absent in 248476 control chromosomes. The available data on variant occurrences in the general population are insufficient to allow any conclusion about variant significance. To our knowledge, no occurrence of c.715G>A in individuals affected with Maple Syrup Urine Disease and no experimental evidence demonstrating its impact on protein function have been reported. No submitters have cited clinical-significance assessments for this variant to ClinVar. Based on the evidence outlined above, the variant was classified as uncertain significance.

NM_183050.4(BCKDHB):c.715G>A (p.Glu239Lys)

Gene: BCKDHB (branched chain keto acid dehydrogenase E1 subunit beta; plus strand). Cytogenetic location: 6q14.1.
Variant type: single nucleotide variant.
Coding change: c.715G>A on transcript NM_183050.4 (MANE Select); coding-DNA position 715, G replaced by A.
Protein change: p.Glu239Lys; replaces glutamic acid 239 with lysine.
Molecular consequence: missense variant. On other transcripts: non-coding transcript variant (4).
Genome position (GRCh38, 1-based): chr6:80,171,363, G>A. VCF-style: chr6-80171363-G-A. GRCh37 (hg19) VCF-style: chr6-80881080-G-A.
Other names: c.715G>A, p.Glu239Lys (NM_000056.5, NM_001424035.1, NM_001424036.1 and 7 more transcripts); c.505G>A, p.Glu169Lys (NM_001318975.1, NM_001424043.1); short protein forms E169K, E239K.
Identifiers: ClinVar variation 4526255 (VCV004526255.1).